The following is an entry in ClinVar:

ClinVar aggregate classification (germline): Uncertain significance (1 of 4 stars; one submission).

Conditions:
Alzheimer disease 4 (AD4). Identifiers: Orphanet 1020, MedGen C1847200, MONDO:0011743, OMIM 606889.

Allele frequency attached by ClinVar (database versions not stated): gnomAD exomes 0.00001; TOPMed 0.00001.
gnomAD v4.1: 10 of 1,613,716 alleles (0.00062%); highest among the groups gnomAD compares: East Asian, 0.0022%; no homozygotes.

Submission:

Labcorp Genetics (formerly Invitae), Labcorp
Classification: Uncertain significance for Alzheimer disease 4. Last evaluated: 2022-04-13. Review status: criteria provided, single submitter. Criteria: Invitae Variant Classification Sherloc (09022015). Collection method: clinical testing. Allele origin: germline.
Comment: Algorithms developed to predict the effect of missense changes on protein structure and function are either unavailable or do not agree on the potential impact of this missense change (SIFT: "Deleterious"; PolyPhen-2: "Probably Damaging"; Align-GVGD: "Class C0"). In summary, the available evidence is currently insufficient to determine the role of this variant in disease. Therefore, it has been classified as a Variant of Uncertain Significance. ClinVar contains an entry for this variant (Variation ID: 1021859). This variant has not been reported in the literature in individuals affected with PSEN2-related conditions. This variant is present in population databases (rs756346917, gnomAD 0.002%). This sequence change replaces arginine, which is basic and polar, with histidine, which is basic and polar, at codon 134 of the PSEN2 protein (p.Arg134His).

NM_000447.3(PSEN2):c.401G>A (p.Arg134His)

Gene: PSEN2 (presenilin 2; plus strand). Cytogenetic location: 1q42.13.
Variant type: single nucleotide variant.
Coding change: c.401G>A on transcript NM_000447.3 (MANE Select); coding-DNA position 401, G replaced by A.
Protein change: p.Arg134His; replaces arginine 134 with histidine.
Molecular consequence: missense variant.
Genome position (GRCh38, 1-based): chr1:226,885,582, G>A. VCF-style: chr1-226885582-G-A. GRCh37 (hg19) VCF-style: chr1-227073283-G-A.
Other names: c.401G>A, p.Arg134His (NM_012486.3); short protein forms R134H.
Identifiers: ClinVar variation 1021859 (VCV001021859.9), dbSNP rs756346917, ClinGen allele CA1424509.